The following is an entry in ClinVar:

NM_020975.6(RET):c.45dup (p.Leu16fs)

Gene: RET (ret proto-oncogene; plus strand). Cytogenetic location: 10q11.21.
Variant type: Duplication.
Coding change: c.45dup on transcript NM_020975.6 (MANE Select); coding-DNA position 45, one base duplicated (G; older notation c.45dupG).
Protein change: p.Leu16fs; shifts the reading frame from leucine 16.
Molecular consequence: frameshift variant.
Genome position (GRCh38, 1-based): chr10:43,077,303, G duplicated. VCF-style (leftmost placement, unchanged base first): chr10-43077302-T-TG. GRCh37 (hg19) VCF-style: chr10-43572750-T-TG.
Other names: c.45dup, p.Leu16Alafs (NM_001406791.1, NM_001406792.1, NM_001406793.1 and 38 more transcripts); c.45dupG (NM_020975.4); short protein forms L16fs.
Identifiers: ClinVar variation 1741794 (VCV001741794.2), dbSNP rs2491935478, ClinGen allele CA2580081462.

ClinVar aggregate classification (germline): Pathogenic (1 of 4 stars; one submission).

Conditions:
Hereditary cancer-predisposing syndrome. Also called: Hereditary Cancer Syndrome; Hereditary neoplastic syndrome; Neoplastic Syndromes, Hereditary; Tumor predisposition. Identifiers: Orphanet 140162, MedGen C0027672, MeSH D009386, MONDO:0015356.

Submission:

Ambry Genetics
Classification: Pathogenic for Hereditary cancer-predisposing syndrome. Last evaluated: 2022-08-31. Review status: criteria provided, single submitter. Criteria: Ambry Variant Classification Scheme 2023. Collection method: clinical testing. Allele origin: germline.
Comment: The c.45dupG pathogenic mutation, located in coding exon 1 of the RET gene, results from a duplication of G at nucleotide position 45, causing a translational frameshift with a predicted alternate stop codon (p.L16Afs*46). This alteration is expected to result in loss of function by premature protein truncation or nonsense-mediated mRNA decay. Loss-of-function variants in RET are known to cause Hirschsprung disease; however, such associations with Multiple Endocrine Neoplasia Type-2 (MEN2) have not been observed (Amiel J and Lyonnet S. J Med Genet. 2001 Nov;38(11):729-39; Wagner SM et al. Clinics (Sao Paulo). 2012;67 Suppl 1(Suppl 1):77-84). Based on the supporting evidence, this alteration is pathogenic for Hirschsprung disease; however, the association of this alteration with MEN2 is unlikely.